The following is an entry in ClinVar:

ClinVar aggregate classification (germline): Uncertain significance. Review status: criteria provided, multiple submitters, no conflicts (2 of 4 stars). 5 submissions from 5 submitters: Uncertain significance (4). 1 of the submissions does not count toward it. Last evaluated 2025-10-27.

Conditions:
Cardiofaciocutaneous syndrome 4 (CFC4). Also called: MAP2K2-Related Cardiofaciocutaneous Syndrome. Identifiers: Orphanet 1340, MedGen C3809007, MONDO:0014114, OMIM 615280.
MAP2K2-related disorder. Also called: MAP2K2-related condition.
RASopathy. Also called: rasopathies; Noonan spectrum disorder. Identifiers: Orphanet 536391, MedGen C5555857, MONDO:0021060.
Noonan syndrome (NS). Also called: Noonan's syndrome. Identifiers: Orphanet 648, MedGen C0028326, MeSH D009634, MONDO:0018997. Disease mechanism: gain of function.

Allele frequency attached by ClinVar (database versions not stated): TOPMed below 0.00001; gnomAD 0.00001; gnomAD exomes 0.00001; ExAC 0.00002.
gnomAD v4.1: 12 of 1,600,014 alleles (0.00075%); highest among the groups gnomAD compares: Non-Finnish European, 0.00085%; no homozygotes.

Submissions (5):

Labcorp Genetics (formerly Invitae), Labcorp
Classification: Uncertain significance for RASopathy. Last evaluated: 2025-10-27. Review status: criteria provided, single submitter. Criteria: Invitae Variant Classification Sherloc (09022015). Collection method: clinical testing. Allele origin: germline.
Comment: This sequence change replaces glycine, which is neutral and non-polar, with arginine, which is basic and polar, at codon 214 of the MAP2K2 protein (p.Gly214Arg). The frequency data for this variant in the population databases is considered unreliable, as metrics indicate poor data quality at this position in the gnomAD database. This variant has not been reported in the literature in individuals affected with MAP2K2-related conditions. ClinVar contains an entry for this variant (Variation ID: 981555). Invitae Evidence Modeling incorporating data from in vitro experimental studies (internal data) indicates that this missense variant is not expected to disrupt MAP2K2 function with a negative predictive value of 95%. In summary, the available evidence is currently insufficient to determine the role of this variant in disease. Therefore, it has been classified as a Variant of Uncertain Significance.

GeneDx
Classification: Uncertain significance. Last evaluated: 2024-04-18. Review status: criteria provided, single submitter. Criteria: GeneDx Variant Classification Process June 2021. Collection method: clinical testing. Allele origin: germline. Affected: yes.
Comment: Missense variants in this gene are a common cause of disease and they are underrepresented in the general population; In silico analysis supports that this missense variant has a deleterious effect on protein structure/function; Has not been previously published as pathogenic or benign to our knowledge; This variant is associated with the following publications: (PMID: 29493581)

PreventionGenetics, part of Exact Sciences
Classification: Uncertain significance for MAP2K2-related condition. Last evaluated: 2023-05-17. Review status: criteria provided, single submitter. Criteria: ACMG Guidelines, 2015. Collection method: clinical testing. Allele origin: germline.
Comment: The MAP2K2 c.640G>A variant is predicted to result in the amino acid substitution p.Gly214Arg. To our knowledge, this variant has not been reported in the literature. This variant is reported in 0.0043% of alleles in individuals of European (Finnish) descent in gnomAD. At this time, the clinical significance of this variant is uncertain due to the absence of conclusive functional and genetic evidence.

Juno Genomics, Hangzhou Juno Genomics, Inc
Classification: Uncertain significance for Cardiofaciocutaneous syndrome 4. Review status: criteria provided, single submitter. Criteria: ACMG Guidelines, 2015. Collection method: clinical testing. Allele origin: germline.
Comment: De novo (both maternity and paternity confirmed) in a patient with the disease and no family history.;Multiple lines of computational evidence support a deleterious effect on the gene or gene product.

Service de Génétique Moléculaire, Hôpital Robert Debré
Classification: Likely benign for Noonan syndrome. Review status: no assertion criteria provided. Collection method: clinical testing. Allele origin: paternal. Affected: no. Not counted in ClinVar's aggregate classification.

NM_030662.4(MAP2K2):c.640G>A (p.Gly214Arg)

Gene: MAP2K2 (mitogen-activated protein kinase kinase 2; minus strand). Cytogenetic location: 19p13.3.
Variant type: single nucleotide variant.
Coding change: c.640G>A on transcript NM_030662.4 (MANE Select); coding-DNA position 640, G replaced by A.
Protein change: p.Gly214Arg; replaces glycine 214 with arginine.
Molecular consequence: missense variant.
Genome position (GRCh38, 1-based): chr19:4,101,084, C>T on the plus strand (G>A on the coding strand, the complement: MAP2K2 is on the minus strand). VCF-style: chr19-4101084-C-T. GRCh37 (hg19) VCF-style: chr19-4101082-C-T.
Other names: short protein forms G214R.
Identifiers: ClinVar variation 981555 (VCV000981555.12), dbSNP rs778895928, ClinGen allele CA9090862.
Genomic context (GRCh38, chr19:4,101,084, plus strand): 5'-TGTAGGAGCGCGTGCCCACGAAGGAGTTGGCCATGGAGTCGATGAGCTGGCCGCTCACCC[C>T]GAAGTCACACAGCTTGATCTCCCCTCTAGAGTTCACGAGGATGTTGGAGGGCTTCACATC-3'
Protein context (NP_109587.1, residues 204-224): SRGEIKLCDF[Gly214Arg]VSGQLIDSMA